The following is an entry in ClinVar:

NC_000012.12:g.(?_51662798)_(51688869_?)del

Genes: SCN8A (sodium voltage-gated channel alpha subunit 8; plus strand), LOC114803470 (SCN8A eExon liver enhancer; plus strand). Cytogenetic location: 12q13.13.
Variant type: Deletion.
Identifiers: ClinVar variation 583466 (VCV000583466.3).

ClinVar aggregate classification (germline): Pathogenic (1 of 4 stars; one submission).

Conditions:
Developmental and epileptic encephalopathy. Identifiers: MedGen C5779964, MONDO:0100620.

Submission:

Labcorp Genetics (formerly Invitae), Labcorp
Classification: Pathogenic for Early-infantile DEE. Last evaluated: 2021-11-12. Review status: criteria provided, single submitter. Criteria: Invitae Variant Classification Sherloc (09022015). Collection method: clinical testing. Allele origin: germline.
Comment: This variant is a gross deletion of the genomic region encompassing exon(s) 2-6 of the SCN8A gene, which includes the initiator codon. This deletion extends beyond the assayed region for this gene and therefore may encompass additional genes. It is expected to result in an absent or disrupted protein product. Loss-of-function variants in SCN8A are known to be pathogenic (PMID: 19254928, 32651551). This variant has not been reported in the literature in individuals affected with SCN8A-related conditions. For these reasons, this variant has been classified as Pathogenic.

Literature cited by the submitters: PubMed 19254928; PubMed 32651551.